The following is an entry in ClinVar:

NM_025137.4(SPG11):c.2717A>G (p.Gln906Arg)

Gene: SPG11 (SPG11 vesicle trafficking associated, spatacsin; minus strand). Cytogenetic location: 15q21.1.
Variant type: single nucleotide variant.
Coding change: c.2717A>G on transcript NM_025137.4 (MANE Select); coding-DNA position 2717, A replaced by G.
Protein change: p.Gln906Arg; replaces glutamine 906 with arginine.
Molecular consequence: missense variant.
Genome position (GRCh38, 1-based): chr15:44,620,307, T>C on the plus strand (A>G on the coding strand, the complement: SPG11 is on the minus strand). VCF-style: chr15-44620307-T-C. GRCh37 (hg19) VCF-style: chr15-44912505-T-C.
Other names: c.2717A>G, p.Gln906Arg (NM_001160227.2); short protein forms Q906R.
Identifiers: ClinVar variation 1305131 (VCV001305131.5), dbSNP rs2083706533, ClinGen allele CA392230781.
Genomic context (GRCh38, chr15:44,620,307, plus strand): 5'-TTAATAACATCAACAGTCAGAAGGGGCCATTTGTTCTGCTGAAGTGAAGCATAACTATGC[T>C]GGGTTTGAAATTCTCCAATCCATAAGATAATGTTTAACCAATCATGGCGAGCTGTGAGGT-3'
Protein context (NP_079413.3, residues 896-916): IILWIGEFQT[Gln906Arg]HSYASLQQNK

ClinVar aggregate classification (germline): Uncertain significance. Review status: criteria provided, multiple submitters, no conflicts (2 of 4 stars). 5 submissions from 3 submitters: Uncertain significance (5). Last evaluated 2021-08-23.

Conditions:
Amyotrophic lateral sclerosis type 5 (ALS5). Also called: AMYOTROPHIC LATERAL SCLEROSIS 5, JUVENILE. Identifiers: Orphanet 300605, MedGen C1865864, MONDO:0011196, OMIM 602099.
Hereditary spastic paraplegia 11. Also called: Nakamura Osame syndrome; Autosomal recessive hereditary spastic paraplegia, mental impairment, and thin corpus callosum; Spastic Paraplegia 11; Spastic paraplegia, mental retardation and thin corpus callosum; SPASTIC PARAPLEGIA, AUTOSOMAL RECESSIVE, COMPLICATED, WITH THIN CORPUS CALLOSUM; SPASTIC PARAPLEGIA, AUTOSOMAL RECESSIVE, WITH MENTAL IMPAIRMENT AND THIN CORPUS CALLOSUM. Identifiers: Orphanet 2822, MedGen C1858479, MONDO:0011445, OMIM 604360.
Charcot-Marie-Tooth disease axonal type 2X. Also called: CHARCOT-MARIE-TOOTH DISEASE, AXONAL, AUTOSOMAL RECESSIVE, TYPE 2X; CHARCOT-MARIE-TOOTH NEUROPATHY, TYPE 2X. Identifiers: Orphanet 466775, MedGen C5569024, MONDO:0014726, OMIM 616668.

Allele frequency attached by ClinVar (database versions not stated): gnomAD 0.00001; TOPMed 0.00002.
gnomAD v4.1: 2 of 1,613,986 alleles (0.00012%); highest among the groups gnomAD compares: African/African-American, 0.0013%; no homozygotes.

Submissions (5):

Labcorp Genetics (formerly Invitae), Labcorp
Classification: Uncertain significance for Hereditary spastic paraplegia 11. Last evaluated: 2021-08-23. Review status: criteria provided, single submitter. Criteria: Invitae Variant Classification Sherloc (09022015). Collection method: clinical testing. Allele origin: germline.
Comment: This sequence change replaces glutamine with arginine at codon 906 of the SPG11 protein (p.Gln906Arg). The glutamine residue is highly conserved and there is a small physicochemical difference between glutamine and arginine. This variant is not present in population databases (ExAC no frequency). This variant has not been reported in the literature in individuals affected with SPG11-related conditions. Algorithms developed to predict the effect of missense changes on protein structure and function are either unavailable or do not agree on the potential impact of this missense change (SIFT: "Tolerated"; PolyPhen-2: "Possibly Damaging"; Align-GVGD: "Class C0"). In summary, the available evidence is currently insufficient to determine the role of this variant in disease. Therefore, it has been classified as a Variant of Uncertain Significance.

GeneDx
Classification: Uncertain significance. Last evaluated: 2019-04-29. Review status: criteria provided, single submitter. Criteria: GeneDx Variant Classification Process June 2021. Collection method: clinical testing. Allele origin: germline. Affected: yes.
Comment: Not observed in large population cohorts (Lek et al., 2016); In silico analysis, which includes protein predictors and evolutionary conservation, supports that this variant does not alter protein structure/function; Has not been previously published as pathogenic or benign to our knowledge

Genome-Nilou Lab
Classification: Uncertain significance for Amyotrophic lateral sclerosis type 5. Review status: criteria provided, single submitter. Criteria: ACMG Guidelines, 2015. Collection method: clinical testing. Allele origin: germline.

Genome-Nilou Lab
Classification: Uncertain significance for Charcot-Marie-Tooth disease axonal type 2X. Review status: criteria provided, single submitter. Criteria: ACMG Guidelines, 2015. Collection method: clinical testing. Allele origin: germline.

Genome-Nilou Lab
Classification: Uncertain significance for Hereditary spastic paraplegia 11. Review status: criteria provided, single submitter. Criteria: ACMG Guidelines, 2015. Collection method: clinical testing. Allele origin: germline.